The following is an entry in ClinVar:

NM_017570.5(OPLAH):c.233G>A (p.Arg78His)

Gene: OPLAH (5-oxoprolinase, ATP-hydrolysing; minus strand). Cytogenetic location: 8q24.3.
Variant type: single nucleotide variant.
Coding change: c.233G>A on transcript NM_017570.5 (MANE Select); coding-DNA position 233, G replaced by A.
Protein change: p.Arg78His; replaces arginine 78 with histidine.
Molecular consequence: missense variant.
Genome position (GRCh38, 1-based): chr8:144,059,729, C>T on the plus strand (G>A on the coding strand, the complement: OPLAH is on the minus strand). VCF-style: chr8-144059729-C-T. GRCh37 (hg19) VCF-style: chr8-145114632-C-T.
Other names: short protein forms R78H.
Identifiers: ClinVar variation 3711954 (VCV003711954.2).

ClinVar aggregate classification (germline): Uncertain significance (1 of 4 stars; one submission).

Conditions:
5-Oxoprolinase deficiency (OPLAHD). Also called: 5-OXOPROLINURIA DUE TO 5-OXOPROLINASE DEFICIENCY. Identifiers: Orphanet 33572, MedGen C0268525, MONDO:0009825, OMIM 260005, HP:0040142.

gnomAD v4.1: 25 of 1,610,802 alleles (0.0016%); highest among the groups gnomAD compares: South Asian, 0.0044%; no homozygotes.

Submission:

Labcorp Genetics (formerly Invitae), Labcorp
Classification: Uncertain significance for 5-Oxoprolinase deficiency. Last evaluated: 2025-02-06. Review status: criteria provided, single submitter. Criteria: Invitae Variant Classification Sherloc (09022015). Collection method: clinical testing. Allele origin: germline.
Comment: This sequence change replaces arginine, which is basic and polar, with histidine, which is basic and polar, at codon 78 of the OPLAH protein (p.Arg78His). This variant is present in population databases (rs782528900, gnomAD 0.02%). This variant has not been reported in the literature in individuals affected with OPLAH-related conditions. Experimental studies and prediction algorithms are not available or were not evaluated, and the functional significance of this variant is currently unknown. In summary, the available evidence is currently insufficient to determine the role of this variant in disease. Therefore, it has been classified as a Variant of Uncertain Significance.